The following is an entry in ClinVar:

NM_004369.4(COL6A3):c.764G>A (p.Ser255Asn)

Gene: COL6A3 (collagen type VI alpha 3 chain; minus strand). Cytogenetic location: 2q37.3.
Variant type: single nucleotide variant.
Coding change: c.764G>A on transcript NM_004369.4 (MANE Select); coding-DNA position 764, G replaced by A.
Protein change: p.Ser255Asn; replaces serine 255 with asparagine.
Molecular consequence: missense variant. On other transcripts: intron variant (2).
Genome position (GRCh38, 1-based): chr2:237,388,130, C>T on the plus strand (G>A on the coding strand, the complement: COL6A3 is on the minus strand). VCF-style: chr2-237388130-C-T. GRCh37 (hg19) VCF-style: chr2-238296773-C-T.
Other names: c.146G>A, p.Ser49Asn (NM_057165.5, NM_057167.4); c.92-6631G>A (NM_057166.5, NM_057164.5); short protein forms S255N, S49N.
Identifiers: ClinVar variation 660613 (VCV000660613.11), dbSNP rs755138368, ClinGen allele CA2189780.

ClinVar aggregate classification (germline): Conflicting classifications of pathogenicity. Review status: criteria provided, conflicting classifications (1 of 4 stars). 3 submissions from 3 submitters: Uncertain significance (2); Likely benign (1). Last evaluated 2025-04-11.

Conditions:
Bethlem myopathy 1A. Also called: Bethlem Muscular Dystrophy; Bethlem myopathy 1; MYOPATHY, BENIGN CONGENITAL, WITH CONTRACTURES. Identifiers: Orphanet 610, MedGen CN029274, MONDO:0024530, OMIM 158810.

Allele frequency attached by ClinVar (database versions not stated): gnomAD 0.00002 and 0.00003; gnomAD exomes 0.00003 and 0.00006; TOPMed 0.00003.
gnomAD v4.1: 91 of 1,614,082 alleles (0.0056%); highest among the groups gnomAD compares: Non-Finnish European, 0.0075%; no homozygotes.

Submissions (3):

Labcorp Genetics (formerly Invitae), Labcorp
Classification: Likely benign for Bethlem myopathy 1A. Last evaluated: 2025-04-11. Review status: criteria provided, single submitter. Criteria: Invitae Variant Classification Sherloc (09022015). Collection method: clinical testing. Allele origin: germline.

GeneDx
Classification: Uncertain significance. Last evaluated: 2024-08-07. Review status: criteria provided, single submitter. Criteria: GeneDx Variant Classification Process June 2021. Collection method: clinical testing. Allele origin: germline. Affected: yes.
Comment: In silico analysis indicates that this missense variant does not alter protein structure/function; Has not been previously published as pathogenic or benign to our knowledge

Revvity Omics, Revvity
Classification: Uncertain significance. Last evaluated: 2023-12-29. Review status: criteria provided, single submitter. Criteria: ACMG Guidelines, 2015. Collection method: clinical testing. Allele origin: germline.